The following is an entry in ClinVar:

ClinVar aggregate classification (germline): Uncertain significance (1 of 4 stars; one submission).

Allele frequency attached by ClinVar (database versions not stated): gnomAD exomes below 0.00001.
gnomAD v4.1: 2 of 1,614,158 alleles (0.00012%); highest among the groups gnomAD compares: Non-Finnish European, 0.000085%; no homozygotes.

Submission:

Ambry Genetics
Classification: Uncertain significance. Last evaluated: 2024-09-19. Review status: criteria provided, single submitter. Criteria: Ambry Variant Classification Scheme 2023. Collection method: clinical testing. Allele origin: germline.
Comment: The p.E1709K variant (also known as c.5125G>A), located in coding exon 4 of the ALPK2 gene, results from a G to A substitution at nucleotide position 5125. The glutamic acid at codon 1709 is replaced by lysine, an amino acid with similar properties. This amino acid position is conserved. In addition, this alteration is predicted to be tolerated by in silico analysis. Since supporting evidence is limited at this time, the clinical significance of this alteration remains unclear.

NM_052947.4(ALPK2):c.5125G>A (p.Glu1709Lys)

Genes: ALPK2 (alpha kinase 2; minus strand), LOC130062577 (ATAC-STARR-seq lymphoblastoid active region 13389; plus strand). Cytogenetic location: 18q21.31.
Variant type: single nucleotide variant.
Coding change: c.5125G>A on transcript NM_052947.4 (MANE Select); coding-DNA position 5125, G replaced by A.
Protein change: p.Glu1709Lys; replaces glutamic acid 1709 with lysine.
Molecular consequence: missense variant.
Genome position (GRCh38, 1-based): chr18:58,535,062, C>T on the plus strand (G>A on the coding strand, the complement: ALPK2 is on the minus strand). VCF-style: chr18-58535062-C-T. GRCh37 (hg19) VCF-style: chr18-56202294-C-T.
Other names: short protein forms E1709K.
Identifiers: ClinVar variation 1745504 (VCV001745504.3), dbSNP rs2518873437, ClinGen allele CA402558047.